The following is an entry in ClinVar:

ClinVar aggregate classification (germline): Uncertain significance (1 of 4 stars; one submission).

gnomAD v4.1: 2 of 1,614,138 alleles (0.00012%); highest among the groups gnomAD compares: Non-Finnish European, 0.00017%; no homozygotes.

Submission:

Labcorp Genetics (formerly Invitae), Labcorp
Classification: Uncertain significance. Last evaluated: 2025-11-20. Review status: criteria provided, single submitter. Criteria: Invitae Variant Classification Sherloc (09022015). Collection method: clinical testing. Allele origin: germline.
Comment: This sequence change replaces serine, which is neutral and polar, with arginine, which is basic and polar, at codon 172 of the SETBP1 protein (p.Ser172Arg). This variant is not present in population databases (gnomAD no frequency). This variant has not been reported in the literature in individuals affected with SETBP1-related conditions. Invitae Evidence Modeling of protein sequence and biophysical properties (such as structural, functional, and spatial information, amino acid conservation, physicochemical variation, residue mobility, and thermodynamic stability) indicates that this missense variant is not expected to disrupt SETBP1 protein function with a negative predictive value of 80%. In summary, the available evidence is currently insufficient to determine the role of this variant in disease. Therefore, it has been classified as a Variant of Uncertain Significance.

NM_015559.3(SETBP1):c.516T>G (p.Ser172Arg)

Gene: SETBP1 (SET binding protein 1; plus strand). Cytogenetic location: 18q12.3.
Variant type: single nucleotide variant.
Coding change: c.516T>G on transcript NM_015559.3 (MANE Select); coding-DNA position 516, T replaced by G.
Protein change: p.Ser172Arg; replaces serine 172 with arginine.
Molecular consequence: missense variant.
Genome position (GRCh38, 1-based): chr18:44,869,259, T>G. VCF-style: chr18-44869259-T-G. GRCh37 (hg19) VCF-style: chr18-42449224-T-G.
Other names: c.516T>G, p.Ser172Arg (NM_001130110.2, NM_001379141.1, NM_001379142.1 and 1 more transcripts); short protein forms S172R.
Identifiers: ClinVar variation 4695825 (VCV004695825.1).
Genomic context (GRCh38, chr18:44,869,259, plus strand): 5'-TCACTGAGAAAATTTCTTTATTCTTTTGCAGCTCCTCACAGCCAGTGACCTTGCAGCCAG[T>G]GACCTCAAAGGATTTCAGCCACAGGTAAGTTCCACTGATGCTTTTAAGAAGTTTGGAAGA-3'
Protein context (NP_056374.2, residues 162-182): KLLTASDLAA[Ser172Arg]DLKGFQPQAY